The following is an entry in ClinVar:

NM_016203.4(PRKAG2):c.755-2A>G

Gene: PRKAG2 (protein kinase AMP-activated non-catalytic subunit gamma 2; minus strand). Cytogenetic location: 7q36.1.
Variant type: single nucleotide variant.
Coding change: c.755-2A>G on transcript NM_016203.4 (MANE Select); the canonical splice acceptor site of the intron before coding-DNA position 755, A replaced by G.
Molecular consequence: splice acceptor variant. On other transcripts: intron variant (12).
Genome position (GRCh38, 1-based): chr7:151,595,456, T>C on the plus strand (A>G on the coding strand, the complement: PRKAG2 is on the minus strand). VCF-style: chr7-151595456-T-C. GRCh37 (hg19) VCF-style: chr7-151292542-T-C.
Other names: c.467-5A>G (NM_001407031.1); c.467-2A>G (NM_001407030.1); c.755-5A>G (NM_001407023.1, NM_001407022.1); c.755-2A>G (NM_001407021.1); c.437-2A>G (NM_001407032.1); c.623-5A>G (NM_001407026.1, NM_001407027.1); c.623-2A>G (NM_001040633.2, NM_001407024.1); c.431-2A>G (NM_001407033.1); and 6 more.
Identifiers: ClinVar variation 3069890 (VCV003069890.1), dbSNP rs747724506, ClinGen allele CA370069619.

ClinVar aggregate classification (germline): Uncertain significance (1 of 4 stars; one submission).

Conditions:
Hypertrophic cardiomyopathy. Also called: HYPERTROPHIC MYOCARDIOPATHY. Identifiers: Orphanet 217569, MedGen C0007194, MeSH D002312, MONDO:0005045, HP:0001639.

gnomAD v4.1: 1 of 1,610,064 alleles (0.000062%); highest among the groups gnomAD compares: Non-Finnish European, 0.000085%; no homozygotes.

Submission:

All of Us Research Program, National Institutes of Health
Classification: Uncertain significance for Hypertrophic cardiomyopathy. Last evaluated: 2023-03-28. Review status: criteria provided, single submitter. Criteria: ACMG Guidelines, 2015. Collection method: clinical testing. Allele origin: germline. Inheritance: Autosomal dominant inheritance. Observed: 1 variant allele, 1 heterozygote.
Comment: This study involves interpretation of variants in research participants for the purpose of population health screening. Participant phenotype was not available at the time of variant classification. Additional details can be found in publication PMID: 35346344, PMCID: PMC8962531